The following is an entry in ClinVar:

NM_020778.5(ALPK3):c.3965+174A>G

Gene: ALPK3 (alpha kinase 3; plus strand). Cytogenetic location: 15q25.3.
Variant type: single nucleotide variant.
Coding change: c.3965+174A>G on transcript NM_020778.5 (MANE Select); 174 bases into the intron after coding-DNA position 3965, A replaced by G.
Molecular consequence: intron variant.
Genome position (GRCh38, 1-based): chr15:84,859,564, A>G. VCF-style: chr15-84859564-A-G. GRCh37 (hg19) VCF-style: chr15-85402795-A-G.
Identifiers: ClinVar variation 678541 (VCV000678541.2), dbSNP rs186266, ClinGen allele CA14123388.

ClinVar aggregate classification (germline): Benign. Review status: criteria provided, multiple submitters, no conflicts (2 of 4 stars). 2 submissions from 2 submitters: Benign (2). Last evaluated 2018-06-16.

Allele frequency attached by ClinVar (database versions not stated): 1000 Genomes Project 30x 0.15069; 1000 Genomes Project 0.15236; TOPMed 0.19566; gnomAD 0.20458.
gnomAD v4.1: 31,230 of 152,190 alleles (21%); highest among the groups gnomAD compares: Non-Finnish European, 28%; 4,030 homozygotes.

Submissions (2):

GeneDx
Classification: Benign. Last evaluated: 2018-06-16. Review status: criteria provided, single submitter. Criteria: GeneDx Variant Classification (06012015). Collection method: clinical testing. Allele origin: germline. Affected: yes.
Comment: This variant is considered likely benign or benign based on one or more of the following criteria: it is a conservative change, it occurs at a poorly conserved position in the protein, it is predicted to be benign by multiple in silico algorithms, and/or has population frequency not consistent with disease.

Breakthrough Genomics
Classification: Benign. Review status: criteria provided, single submitter. Criteria: ACMG Guidelines, 2015. Collection method: not provided. Allele origin: germline. Inheritance: Autosomal recessive inheritance. Affected: yes.